The following is an entry in ClinVar:

ClinVar aggregate classification (germline): Likely pathogenic (1 of 4 stars; one submission).

Conditions:
Primary ciliary dyskinesia 3. Identifiers: Orphanet 244, MedGen C1837618, MONDO:0012085, OMIM 608644.

Submission:

Myriad Genetics, Inc.
Classification: Likely pathogenic for Primary ciliary dyskinesia 3. Last evaluated: 2022-02-05. Review status: criteria provided, single submitter. Criteria: Myriad Women's Health Autosomal Recessive and X-Linked Classification Criteria (2021). Collection method: clinical testing. Allele origin: unknown.
Comment: NM_001369.2(DNAH5):c.1291A>T(K431*) is expected to be pathogenic in the context of DNAH5-related primary ciliary dyskinesia. This variant is predicted to lead to an abnormal or absent protein product due to the creation of a premature termination codon in DNAH5, a gene where loss-of-function variants are known to be pathogenic. Please note: this variant was assessed in the context of healthy population screening.

NM_001369.3(DNAH5):c.1291A>T (p.Lys431Ter)

Gene: DNAH5 (dynein axonemal heavy chain 5; minus strand). Cytogenetic location: 5p15.2.
Variant type: single nucleotide variant.
Coding change: c.1291A>T on transcript NM_001369.3 (MANE Select); coding-DNA position 1291, A replaced by T.
Protein change: p.Lys431Ter; replaces lysine 431 with a stop codon.
Molecular consequence: nonsense.
Genome position (GRCh38, 1-based): chr5:13,914,549, T>A on the plus strand (A>T on the coding strand, the complement: DNAH5 is on the minus strand). VCF-style: chr5-13914549-T-A. GRCh37 (hg19) VCF-style: chr5-13914658-T-A.
Other names: short protein forms K431*.
Identifiers: ClinVar variation 1724334 (VCV001724334.2), dbSNP rs1446257052, ClinGen allele CA359214895.